The following is an entry in ClinVar:

NM_018100.4(EFHC1):c.1558G>A (p.Ala520Thr)

Gene: EFHC1 (EF-hand domain containing 1; plus strand). Cytogenetic location: 6p12.2.
Variant type: single nucleotide variant.
Coding change: c.1558G>A on transcript NM_018100.4 (MANE Select); coding-DNA position 1558, G replaced by A.
Protein change: p.Ala520Thr; replaces alanine 520 with threonine.
Molecular consequence: missense variant. On other transcripts: non-coding transcript variant (1).
Genome position (GRCh38, 1-based): chr6:52,479,705, G>A. VCF-style: chr6-52479705-G-A. GRCh37 (hg19) VCF-style: chr6-52344503-G-A.
Other names: c.1501G>A, p.Ala501Thr (NM_001172420.2); short protein forms A501T, A520T.
Identifiers: ClinVar variation 1055116 (VCV001055116.10), dbSNP rs763313820, ClinGen allele CA3856122.
Genomic context (GRCh38, chr6:52,479,705, plus strand): 5'-GGTCACCGGTTCATCATCCTTGATACAGACGAGTATGTTTTGAAATACATGGAGAGCAAC[G>A]CTGCCCAGTATTCACCAGAAGCACTCGCGTCAATTCAGAACCATGTCCGAAAGCGAGAAG-3'
Protein context (NP_060570.2, residues 510-530): EYVLKYMESN[Ala520Thr]AQYSPEALAS

ClinVar aggregate classification (germline): Uncertain significance (1 of 4 stars; one submission).

Conditions:
Myoclonic epilepsy, juvenile, susceptibility to, 1. Also called: Myoclonic Epilepsy, Juvenile, 1; EJM1. Identifiers: MedGen C1850778, MONDO:0020752, OMIM 254770.
Absence seizure. Also called: Absence epilepsy. Identifiers: Orphanet 1941, MedGen C0014553.

Allele frequency attached by ClinVar (database versions not stated): gnomAD exomes below 0.00001; ExAC 0.00001; gnomAD 0.00001.
gnomAD v4.1: 3 of 1,614,078 alleles (0.00019%); highest among the groups gnomAD compares: Non-Finnish European, 0.00025%; no homozygotes.

Submission:

Labcorp Genetics (formerly Invitae), Labcorp
Classification: Uncertain significance for Myoclonic epilepsy, juvenile, susceptibility to, 1; Absence seizure. Last evaluated: 2020-08-27. Review status: criteria provided, single submitter. Criteria: Invitae Variant Classification Sherloc (09022015). Collection method: clinical testing. Allele origin: germline.
Comment: In summary, the available evidence is currently insufficient to determine the role of this variant in disease. Therefore, it has been classified as a Variant of Uncertain Significance. Algorithms developed to predict the effect of missense changes on protein structure and function (SIFT, PolyPhen-2, Align-GVGD) all suggest that this variant is likely to be tolerated, but these predictions have not been confirmed by published functional studies and their clinical significance is uncertain. This variant has not been reported in the literature in individuals with EFHC1-related disease. This variant is present in population databases (rs763313820, ExAC 0.001%). This sequence change replaces alanine with threonine at codon 520 of the EFHC1 protein (p.Ala520Thr). The alanine residue is moderately conserved and there is a small physicochemical difference between alanine and threonine.